The following is an entry in ClinVar:

ClinVar aggregate classification (germline): Uncertain significance (1 of 4 stars; one submission).

Conditions:
Achondrogenesis, type IA (ACG1A). Identifiers: Orphanet 932, Orphanet 93299, MedGen C0265273, MONDO:0008701, OMIM 200600.

Allele frequency attached by ClinVar (database versions not stated): gnomAD exomes below 0.00001; gnomAD 0.00001.
gnomAD v4.1: 2 of 1,612,734 alleles (0.00012%); highest among the groups gnomAD compares: Non-Finnish European, 0.00017%; no homozygotes.

Submission:

Labcorp Genetics (formerly Invitae), Labcorp
Classification: Uncertain significance for Achondrogenesis, type IA. Last evaluated: 2022-08-16. Review status: criteria provided, single submitter. Criteria: Invitae Variant Classification Sherloc (09022015). Collection method: clinical testing. Allele origin: germline.
Comment: This sequence change replaces isoleucine, which is neutral and non-polar, with methionine, which is neutral and non-polar, at codon 211 of the TRIP11 protein (p.Ile211Met). This variant is not present in population databases (gnomAD no frequency). This variant has not been reported in the literature in individuals affected with TRIP11-related conditions. ClinVar contains an entry for this variant (Variation ID: 1464302). Algorithms developed to predict the effect of missense changes on protein structure and function are either unavailable or do not agree on the potential impact of this missense change (SIFT: "Not Available"; PolyPhen-2: "Probably Damaging"; Align-GVGD: "Not Available"). In summary, the available evidence is currently insufficient to determine the role of this variant in disease. Therefore, it has been classified as a Variant of Uncertain Significance.

NM_004239.4(TRIP11):c.633A>G (p.Ile211Met)

Gene: TRIP11 (thyroid hormone receptor interactor 11; minus strand). Cytogenetic location: 14q32.12.
Variant type: single nucleotide variant.
Coding change: c.633A>G on transcript NM_004239.4 (MANE Select); coding-DNA position 633, A replaced by G.
Protein change: p.Ile211Met; replaces isoleucine 211 with methionine.
Molecular consequence: missense variant.
Genome position (GRCh38, 1-based): chr14:92,017,706, T>C on the plus strand (A>G on the coding strand, the complement: TRIP11 is on the minus strand). VCF-style: chr14-92017706-T-C. GRCh37 (hg19) VCF-style: chr14-92484050-T-C.
Other names: c.630A>G, p.Ile210Met (NM_001321851.1); short protein forms I210M, I211M.
Identifiers: ClinVar variation 1464302 (VCV001464302.8), dbSNP rs2140133290, ClinGen allele CA390664991.